The following is an entry in ClinVar:

ClinVar aggregate classification (germline): Conflicting classifications of pathogenicity. Review status: criteria provided, conflicting classifications (1 of 4 stars). 2 submissions from 2 submitters: Uncertain significance (1); Likely benign (1). Last evaluated 2026-01-06.

Conditions:
Pyogenic arthritis-pyoderma gangrenosum-acne syndrome (PAPA). Also called: FAMILIAL RECURRENT ARTHRITIS; PAPA SYNDROME. Identifiers: Orphanet 69126, MedGen C1858361, MONDO:0011462, OMIM 604416.

Allele frequency attached by ClinVar (database versions not stated): gnomAD 0.00003 and 0.00004; gnomAD exomes 0.00004 and 0.00009; TOPMed 0.00006; ESP Exome Variant Server 0.00008; ExAC 0.00009.

Submissions (2):

Labcorp Genetics (formerly Invitae), Labcorp
Classification: Uncertain significance for Pyogenic arthritis-pyoderma gangrenosum-acne syndrome. Last evaluated: 2026-01-06. Review status: criteria provided, single submitter. Criteria: Invitae Variant Classification Sherloc (09022015). Collection method: clinical testing. Allele origin: germline.
Comment: This sequence change replaces arginine, which is basic and polar, with glutamine, which is neutral and polar, at codon 202 of the PSTPIP1 protein (p.Arg202Gln). This variant is present in population databases (rs372461120, gnomAD 0.02%). This variant has not been reported in the literature in individuals affected with PSTPIP1-related conditions. ClinVar contains an entry for this variant (Variation ID: 1044940). Invitae Evidence Modeling of protein sequence and biophysical properties (such as structural, functional, and spatial information, amino acid conservation, physicochemical variation, residue mobility, and thermodynamic stability) indicates that this missense variant is not expected to disrupt PSTPIP1 protein function with a negative predictive value of 80%. In summary, the available evidence is currently insufficient to determine the role of this variant in disease. Therefore, it has been classified as a Variant of Uncertain Significance.

CeGaT Center for Human Genetics Tuebingen
Classification: Likely benign. Last evaluated: 2022-11-01. Review status: criteria provided, single submitter. Criteria: CeGaT Center For Human Genetics Tuebingen Variant Classification Criteria Version 2. Collection method: clinical testing. Allele origin: germline. Affected: yes. Observed: 1 variant allele.
Comment: PSTPIP1: BP4, BS1

NM_003978.5(PSTPIP1):c.605G>A (p.Arg202Gln)

Gene: PSTPIP1 (proline-serine-threonine phosphatase interacting protein 1; plus strand). Cytogenetic location: 15q24.3.
Variant type: single nucleotide variant.
Coding change: c.605G>A on transcript NM_003978.5 (MANE Select); coding-DNA position 605, G replaced by A.
Protein change: p.Arg202Gln; replaces arginine 202 with glutamine.
Molecular consequence: missense variant.
Genome position (GRCh38, 1-based): chr15:77,030,544, G>A. VCF-style: chr15-77030544-G-A. GRCh37 (hg19) VCF-style: chr15-77322885-G-A.
Other names: c.605G>A, p.Arg202Gln (NM_001321135.2); c.578G>A, p.Arg193Gln (NM_001321136.2); c.800G>A, p.Arg267Gln (NM_001321137.1); short protein forms R193Q, R202Q, R267Q.
Identifiers: ClinVar variation 1044940 (VCV001044940.32), dbSNP rs372461120, ClinGen allele CA7675899.
Genomic context (GRCh38, chr15:77,030,544, plus strand): 5'-GGCTGCCTGCGCTTTCAGAGCGGGTATACAGGCAGAGCATTGCGCAGCTGGAGAAGGTCC[G>A]GGCTGAGTGGGAGCAGGAGCACCGGACCACCTGTGAGGTGAGTGGCCCACGTGGAGCCTC-3'
Protein context (NP_003969.2, residues 192-212): RQSIAQLEKV[Arg202Gln]AEWEQEHRTT